The following is an entry in ClinVar:

NM_032578.4(MYPN):c.1751A>G (p.Asn584Ser)

Gene: MYPN (myopalladin; plus strand). Cytogenetic location: 10q21.3.
Variant type: single nucleotide variant.
Coding change: c.1751A>G on transcript NM_032578.4 (MANE Select); coding-DNA position 1751, A replaced by G.
Protein change: p.Asn584Ser; replaces asparagine 584 with serine.
Molecular consequence: missense variant. On other transcripts: non-coding transcript variant (2).
Genome position (GRCh38, 1-based): chr10:68,166,444, A>G. VCF-style: chr10-68166444-A-G. GRCh37 (hg19) VCF-style: chr10-69926201-A-G.
Other names: c.1751A>G (NM_032578.2); c.1751A>G, p.Asn584Ser (NM_001256267.2); c.869A>G, p.Asn290Ser (NM_001256268.2); short protein forms N290S, N584S.
Identifiers: ClinVar variation 933696 (VCV000933696.7), dbSNP rs2043055172, ClinGen allele CA376840033.

ClinVar aggregate classification (germline): Uncertain significance. Review status: criteria provided, multiple submitters, no conflicts (2 of 4 stars). 3 submissions from 3 submitters: Uncertain significance (3). Last evaluated 2026-05-20.

Conditions:
Cardiovascular phenotype. Identifiers: MedGen CN230736.
Dilated cardiomyopathy 1KK (CMD1KK). Identifiers: Orphanet 154, Orphanet 75249, MedGen C3714995, MONDO:0014100, OMIM 615248.

Allele frequency attached by ClinVar (database versions not stated): gnomAD exomes below 0.00001.
gnomAD v4.1: 1 of 1,614,106 alleles (0.000062%); highest among the groups gnomAD compares: Non-Finnish European, 0.000085%; no homozygotes.

Submissions (3):

Ambry Genetics
Classification: Uncertain significance for Cardiovascular phenotype. Last evaluated: 2026-05-20. Review status: criteria provided, single submitter. Criteria: Ambry Variant Classification Scheme 2023. Collection method: clinical testing. Allele origin: germline.
Comment: The p.N584S variant (also known as c.1751A>G), located in coding exon 9 of the MYPN gene, results from an A to G substitution at nucleotide position 1751. The asparagine at codon 584 is replaced by serine, an amino acid with highly similar properties. This amino acid position is conserved. In addition, this alteration is predicted to be tolerated by in silico analysis. Based on the available evidence, the clinical significance of this variant remains unclear.

GeneDx
Classification: Uncertain significance. Last evaluated: 2024-02-05. Review status: criteria provided, single submitter. Criteria: GeneDx Variant Classification Process June 2021. Collection method: clinical testing. Allele origin: germline. Affected: yes.
Comment: Not observed at significant frequency in large population cohorts (gnomAD); In silico analysis supports that this missense variant does not alter protein structure/function; Has not been previously published as pathogenic or benign to our knowledge

Labcorp Genetics (formerly Invitae), Labcorp
Classification: Uncertain significance for Dilated cardiomyopathy 1KK. Last evaluated: 2021-08-27. Review status: criteria provided, single submitter. Criteria: Invitae Variant Classification Sherloc (09022015). Collection method: clinical testing. Allele origin: germline.